The following is an entry in ClinVar:

ClinVar aggregate classification (germline): Uncertain significance (1 of 4 stars; one submission).

gnomAD v4.1: 11 of 1,614,098 alleles (0.00068%); highest among the groups gnomAD compares: Middle Eastern, 0.016%; no homozygotes.

Submission:

GeneDx
Classification: Uncertain significance. Last evaluated: 2024-02-14. Review status: criteria provided, single submitter. Criteria: GeneDx Variant Classification Process June 2021. Collection method: clinical testing. Allele origin: germline. Affected: yes.
Comment: In silico analysis supports that this missense variant does not alter protein structure/function; Has not been previously published as pathogenic or benign to our knowledge

NM_001291303.3(FAT4):c.14132C>G (p.Ser4711Cys)

Gene: FAT4 (FAT atypical cadherin 4; plus strand). Cytogenetic location: 4q28.1.
Variant type: single nucleotide variant.
Coding change: c.14132C>G on transcript NM_001291303.3 (MANE Select); coding-DNA position 14132, C replaced by G.
Protein change: p.Ser4711Cys; replaces serine 4711 with cysteine.
Molecular consequence: missense variant.
Genome position (GRCh38, 1-based): chr4:125,490,948, C>G. VCF-style: chr4-125490948-C-G. GRCh37 (hg19) VCF-style: chr4-126412103-C-G.
Other names: c.14129C>G, p.Ser4710Cys (NM_001291285.3); c.14126C>G, p.Ser4709Cys (NM_024582.6); short protein forms S4709C, S4710C, S4711C.
Identifiers: ClinVar variation 3369314 (VCV003369314.1).